The following is an entry in ClinVar:

NM_001330260.2(SCN8A):c.1933T>C (p.Cys645Arg)

Gene: SCN8A (sodium voltage-gated channel alpha subunit 8; plus strand). Cytogenetic location: 12q13.13.
Variant type: single nucleotide variant.
Coding change: c.1933T>C on transcript NM_001330260.2 (MANE Select); coding-DNA position 1933, T replaced by C.
Protein change: p.Cys645Arg; replaces cysteine 645 with arginine.
Molecular consequence: missense variant.
Genome position (GRCh38, 1-based): chr12:51,721,843, T>C. VCF-style: chr12-51721843-T-C. GRCh37 (hg19) VCF-style: chr12-52115627-T-C.
Other names: c.1933T>C, p.Cys645Arg (NM_001177984.3, NM_001369788.1, NM_014191.4); short protein forms C645R.
Identifiers: ClinVar variation 4801275 (VCV004801275.1).
Genomic context (GRCh38, chr12:51,721,843, plus strand): 5'-CGCTCCTCGCGCATCTTCCCCAGCCTGCGGCGCAGCGTGAAGCGCAACAGCACGGTGGAC[T>C]GCAACGGCGTGGTGTCCCTCATCGGCGGCCCCGGCTCCCACATCGGCGGGCGTCTCCTGC-3'
Protein context (NP_001317189.1, residues 635-655): RSVKRNSTVD[Cys645Arg]NGVVSLIGGP

ClinVar aggregate classification (germline): Uncertain significance (1 of 4 stars; one submission).

Conditions:
Early-infantile DEE. Also called: Early infantile epileptic encephalopathy with suppression bursts; Early infantile epileptic encephalopathy; Ohtahara syndrome. Identifiers: Orphanet 1934, MedGen C0393706, MONDO:0800491.

Submission:

Labcorp Genetics (formerly Invitae), Labcorp
Classification: Uncertain significance for Early-infantile DEE. Last evaluated: 2025-02-20. Review status: criteria provided, single submitter. Criteria: Invitae Variant Classification Sherloc (09022015). Collection method: clinical testing. Allele origin: germline.
Comment: This sequence change replaces cysteine, which is neutral and slightly polar, with arginine, which is basic and polar, at codon 645 of the SCN8A protein (p.Cys645Arg). This variant is not present in population databases (gnomAD no frequency). This variant has not been reported in the literature in individuals affected with SCN8A-related conditions. Invitae Evidence Modeling of protein sequence and biophysical properties (such as structural, functional, and spatial information, amino acid conservation, physicochemical variation, residue mobility, and thermodynamic stability) has been performed for this missense variant. However, the output from this modeling did not meet the statistical confidence thresholds required to predict the impact of this variant on SCN8A protein function. In summary, the available evidence is currently insufficient to determine the role of this variant in disease. Therefore, it has been classified as a Variant of Uncertain Significance.